The following is an entry in ClinVar:

ClinVar aggregate classification (germline): Pathogenic (1 of 4 stars; one submission).

Submission:

Labcorp Genetics (formerly Invitae), Labcorp
Classification: Pathogenic. Last evaluated: 2023-07-24. Review status: criteria provided, single submitter. Criteria: Invitae Variant Classification Sherloc (09022015). Collection method: clinical testing. Allele origin: germline.
Comment: This sequence change creates a premature translational stop signal (p.Pro548Leufs*81) in the COL2A1 gene. It is expected to result in an absent or disrupted protein product. Loss-of-function variants in COL2A1 are known to be pathogenic (PMID: 20179744). For these reasons, this variant has been classified as Pathogenic. This variant has not been reported in the literature in individuals affected with COL2A1-related conditions. This variant is not present in population databases (gnomAD no frequency).

Literature cited by the submitters: PubMed 20179744.

NM_001844.5(COL2A1):c.1643del (p.Pro548fs)

Gene: COL2A1 (collagen type II alpha 1 chain; minus strand). Cytogenetic location: 12q13.11.
Variant type: Deletion.
Coding change: c.1643del on transcript NM_001844.5 (MANE Select); coding-DNA position 1643, one base deleted (C; older notation c.1643delC).
Protein change: p.Pro548fs; shifts the reading frame from proline 548.
Molecular consequence: frameshift variant.
Genome position (GRCh38, 1-based): chr12:47,985,765, G deleted on the plus strand (C on the coding strand, the reverse complement: COL2A1 is on the minus strand); the first of 3 consecutive G bases (chr12:47,985,765-47,985,767); deleting any one gives the same sequence. VCF-style (leftmost placement, unchanged base first): chr12-47985764-AG-A. GRCh37 (hg19) VCF-style: chr12-48379547-AG-A.
Other names: c.1436del, p.Pro479fs (NM_033150.3); short protein forms P548fs, P479fs.
Identifiers: ClinVar variation 2746010 (VCV002746010.3), dbSNP rs2540146864, ClinGen allele CA2697559219.
Genomic context (GRCh38, chr12:47,985,764, plus strand): 5'-GGCAACAGCAGCTCTGCTACTTACCCGGGCTCCAGGAAGGCCAGGTTCTCCAGGACGGCC[AG>A]GGTCACCGTTGGCTCCCTTGGGGCCAGCAAGACCACTGGGCCCTCGCTCTCCAGGGGCTC-3'